The following is an entry in ClinVar:

ClinVar aggregate classification (germline): Benign/Likely benign. Review status: criteria provided, multiple submitters, no conflicts (2 of 4 stars). 9 submissions from 9 submitters: Benign (2); Likely benign (6). 1 of the submissions does not count toward it. Last evaluated 2026-01-21.

Conditions:
SLC6A8-related disorder. Also called: SLC6A8-related condition.
Inborn genetic diseases. Identifiers: MedGen C0950123, MeSH D030342.
Creatine transporter deficiency (CCDS1). Also called: Mental retardation , X-linked with seizures, short stature and midface hypoplasia; Mental retardation , X-linked, with creatine transport deficiency; X-linked creatine transporter deficiency; X-linked creatine deficiency syndrome; SLC6A8-Related Creatine Transporter Deficiency; CREATINE TRANSPORTER DEFECT. Identifiers: Orphanet 52503, MedGen C1845862, MONDO:0010305, OMIM 300352.

Allele frequency attached by ClinVar (database versions not stated): gnomAD exomes 0.00030; gnomAD 0.00033 and 0.00036; 1000 Genomes Project 30x 0.00042; ESP Exome Variant Server 0.00009; ExAC 0.00023; TOPMed 0.00029.
gnomAD v4.1: 394 of 1,209,195 alleles (0.033%); highest among the groups gnomAD compares: Middle Eastern, 0.8%; 2 homozygotes.

Submissions (9):

Labcorp Genetics (formerly Invitae), Labcorp
Classification: Benign for Creatine transporter deficiency. Last evaluated: 2026-01-21. Review status: criteria provided, single submitter. Criteria: Invitae Variant Classification Sherloc (09022015). Collection method: clinical testing. Allele origin: germline.

Genomic Medicine Center of Excellence, King Faisal Specialist Hospital and Research Centre
Classification: Likely benign. Last evaluated: 2025-08-18. Review status: criteria provided, single submitter. Criteria: ACMG Guidelines, 2015. Collection method: clinical testing. Allele origin: germline.

Blueprint Genetics
Classification: Likely benign. Last evaluated: 2024-11-06. Review status: criteria provided, single submitter. Criteria: ACMG Guidelines, 2015. Collection method: clinical testing. Allele origin: germline.

CeGaT Center for Human Genetics Tuebingen
Classification: Likely benign. Last evaluated: 2023-06-01. Review status: criteria provided, single submitter. Criteria: CeGaT Center For Human Genetics Tuebingen Variant Classification Criteria Version 2. Collection method: clinical testing. Allele origin: germline. Affected: yes. Observed: 10 variant alleles.
Comment: SLC6A8: BP4, BS2

GeneDx
Classification: Likely benign. Last evaluated: 2021-03-17. Review status: criteria provided, single submitter. Criteria: GeneDx Variant Classification Process June 2021. Collection method: clinical testing. Allele origin: germline. Affected: yes.
Comment: This variant is associated with the following publications: (PMID: 23092983, 25861866)

Ambry Genetics
Classification: Benign for Inborn genetic diseases. Last evaluated: 2017-12-27. Review status: criteria provided, single submitter. Criteria: Ambry Variant Classification Scheme 2023. Collection method: clinical testing. Allele origin: germline.

Genomic Diagnostic Laboratory, Division of Genomic Diagnostics, Children's Hospital of Philadelphia
Classification: Likely benign. Last evaluated: 2015-05-12. Review status: criteria provided, single submitter. Criteria: DGD Variant Analysis Guidelines. Collection method: clinical testing. Allele origin: unknown.

Breakthrough Genomics
Classification: Likely benign. Review status: criteria provided, single submitter. Criteria: ACMG Guidelines, 2015. Collection method: not provided. Allele origin: germline. Inheritance: X-linked inheritance. Affected: yes.

PreventionGenetics, part of Exact Sciences
Classification: Likely benign for SLC6A8-related condition. Last evaluated: 2020-04-28. Review status: no assertion criteria provided. Collection method: clinical testing. Allele origin: germline. Not counted in ClinVar's aggregate classification.
Comment: This variant is classified as likely benign based on ACMG/AMP sequence variant interpretation guidelines (Richards et al. 2015 PMID: 25741868, with internal and published modifications).

NM_005629.4(SLC6A8):c.1649C>G (p.Thr550Ser)

Gene: SLC6A8 (solute carrier family 6 member 8; plus strand). Cytogenetic location: Xq28.
Variant type: single nucleotide variant.
Coding change: c.1649C>G on transcript NM_005629.4 (MANE Select); coding-DNA position 1649, C replaced by G.
Protein change: p.Thr550Ser; replaces threonine 550 with serine.
Molecular consequence: missense variant.
Genome position (GRCh38, 1-based): chrX:153,694,771, C>G. VCF-style: chrX-153694771-C-G. GRCh37 (hg19) VCF-style: chrX-152960226-C-G.
Other names: c.1619C>G, p.Thr540Ser (NM_001142805.2); c.1304C>G, p.Thr435Ser (NM_001142806.1); short protein forms T550S, T540S, T435S.
Identifiers: ClinVar variation 218675 (VCV000218675.60), dbSNP rs199635059, ClinGen allele CA248881.
Genomic context (GRCh38, chrX:153,694,771, plus strand): 5'-GTCCGTAGGGCATCTTCATCTTCAACGTTGTGTACTACGAGCCGCTGGTCTACAACAACA[C>G]CTACGTGTACCCGTGGTGGGGTGAGGCCATGGGCTGGGCCTTCGCCCTGTCCTCCATGCT-3'
Protein context (NP_005620.1, residues 540-560): VYYEPLVYNN[Thr550Ser]YVYPWWGEAM